The following is an entry in ClinVar:

NM_198904.4(GABRG2):c.394A>G (p.Ile132Val)

Gene: GABRG2 (gamma-aminobutyric acid type A receptor subunit gamma2; plus strand). Cytogenetic location: 5q34.
Variant type: single nucleotide variant.
Coding change: c.394A>G on transcript NM_198904.4 (MANE Select); coding-DNA position 394, A replaced by G.
Protein change: p.Ile132Val; replaces isoleucine 132 with valine.
Molecular consequence: missense variant. On other transcripts: 5 prime UTR variant (2).
Genome position (GRCh38, 1-based): chr5:162,097,704, A>G. VCF-style: chr5-162097704-A-G. GRCh37 (hg19) VCF-style: chr5-161524710-A-G.
Other names: c.394A>G, p.Ile132Val (NM_000816.3, NM_001375340.1, NM_001375341.1 and 4 more transcripts); c.385A>G, p.Ile129Val (NM_001375339.1); c.328A>G, p.Ile110Val (NM_001375345.1, NM_001375346.1); c.307A>G, p.Ile103Val (NM_001375347.1); c.-27A>G (NM_001375348.1, NM_001375350.1); c.109A>G, p.Ile37Val (NM_001375349.1); short protein forms I132V, I103V, I37V, I110V, I129V.
Identifiers: ClinVar variation 1041801 (VCV001041801.7), dbSNP rs752621588, ClinGen allele CA3544727.

ClinVar aggregate classification (germline): Uncertain significance (1 of 4 stars; one submission).

Conditions:
EPILEPSY, CHILDHOOD ABSENCE, SUSCEPTIBILITY TO, 2 (ECA2). Identifiers: Orphanet 64280, MedGen C1843244, OMIM 607681.
Febrile seizures, familial, 8 (FEB8). Also called: CONVULSIONS, FAMILIAL FEBRILE, 8. Identifiers: Orphanet 36387, MedGen C1969810, MONDO:0011891, OMIM 607681.

Allele frequency attached by ClinVar (database versions not stated): ExAC 0.00001.
gnomAD v4.1: 8 of 1,613,890 alleles (0.0005%); highest among the groups gnomAD compares: Admixed American, 0.0033%; no homozygotes.

Submission:

Labcorp Genetics (formerly Invitae), Labcorp
Classification: Uncertain significance for Febrile seizures, familial, 8; EPILEPSY, CHILDHOOD ABSENCE, SUSCEPTIBILITY TO, 2. Last evaluated: 2025-06-18. Review status: criteria provided, single submitter. Criteria: Invitae Variant Classification Sherloc (09022015). Collection method: clinical testing. Allele origin: germline.
Comment: This sequence change replaces isoleucine, which is neutral and non-polar, with valine, which is neutral and non-polar, at codon 132 of the GABRG2 protein (p.Ile132Val). This variant is present in population databases (rs752621588, gnomAD 0.006%). This variant has not been reported in the literature in individuals affected with GABRG2-related conditions. ClinVar contains an entry for this variant (Variation ID: 1041801). Invitae Evidence Modeling of protein sequence and biophysical properties (such as structural, functional, and spatial information, amino acid conservation, physicochemical variation, residue mobility, and thermodynamic stability) indicates that this missense variant is not expected to disrupt GABRG2 protein function with a negative predictive value of 95%. In summary, the available evidence is currently insufficient to determine the role of this variant in disease. Therefore, it has been classified as a Variant of Uncertain Significance.